The following is an entry in ClinVar:

ClinVar aggregate classification (germline): Conflicting classifications of pathogenicity. Review status: criteria provided, conflicting classifications (1 of 4 stars). 7 submissions from 7 submitters: Uncertain significance (4); Likely benign (2). 1 of the submissions does not count toward it. Last evaluated 2026-01-01.

Conditions:
Hereditary cancer-predisposing syndrome. Also called: Hereditary neoplastic syndrome; Neoplastic Syndromes, Hereditary; Hereditary Cancer Syndrome; Tumor predisposition. Identifiers: Orphanet 140162, MedGen C0027672, MeSH D009386, MONDO:0015356.
Fanconi anemia complementation group U. Identifiers: MedGen C4310651, MONDO:0014987, OMIM 617247.
Colon cancer. Also called: Malignant tumor of colon. Identifiers: MedGen C0007102, MONDO:0021063, HP:0003003.

Allele frequency attached by ClinVar (database versions not stated): ESP Exome Variant Server 0.00008; gnomAD exomes 0.00009 and 0.00012; ExAC 0.00010; gnomAD 0.00013; TOPMed 0.00013.
gnomAD v4.1: 195 of 1,613,908 alleles (0.012%); highest among the groups gnomAD compares: Non-Finnish European, 0.016%; 1 homozygote.

Submissions (7):

Labcorp Genetics (formerly Invitae), Labcorp
Classification: Uncertain significance. Last evaluated: 2026-01-01. Review status: criteria provided, single submitter. Criteria: Invitae Variant Classification Sherloc (09022015). Collection method: clinical testing. Allele origin: germline.
Comment: This sequence change replaces glutamic acid, which is acidic and polar, with glycine, which is neutral and non-polar, at codon 207 of the XRCC2 protein (p.Glu207Gly). This variant is present in population databases (rs61762969, gnomAD 0.02%). This missense change has been observed in individual(s) with breast and pancreatic cancer (PMID: 23054243, 28767289). ClinVar contains an entry for this variant (Variation ID: 127960). Invitae Evidence Modeling of protein sequence and biophysical properties (such as structural, functional, and spatial information, amino acid conservation, physicochemical variation, residue mobility, and thermodynamic stability) indicates that this missense variant is not expected to disrupt XRCC2 protein function with a negative predictive value of 80%. Experimental studies have shown that this missense change does not substantially affect XRCC2 function (PMID: 27233470). In summary, the available evidence is currently insufficient to determine the role of this variant in disease. Therefore, it has been classified as a Variant of Uncertain Significance.

Ambry Genetics
Classification: Likely benign for Hereditary cancer-predisposing syndrome. Last evaluated: 2022-02-15. Review status: criteria provided, single submitter. Criteria: Ambry Variant Classification Scheme 2023. Collection method: clinical testing. Allele origin: germline.

Institute for Clinical Genetics, University Hospital TU Dresden, University Hospital TU Dresden
Classification: Uncertain significance. Last evaluated: 2021-11-03. Review status: criteria provided, single submitter. Criteria: ACMG Guidelines, 2015. Collection method: clinical testing. Allele origin: germline.

Mendelics
Classification: Uncertain significance for Fanconi anemia complementation group U. Last evaluated: 2019-05-28. Review status: criteria provided, single submitter. Criteria: Mendelics Assertion Criteria 2017. Collection method: clinical testing. Allele origin: unknown.

GeneDx
Classification: Likely benign. Last evaluated: 2017-09-21. Review status: criteria provided, single submitter. Criteria: GeneDx Variant Classification (06012015). Collection method: clinical testing. Allele origin: germline. Affected: yes.
Comment: This variant is considered likely benign or benign based on one or more of the following criteria: it is a conservative change, it occurs at a poorly conserved position in the protein, it is predicted to be benign by multiple in silico algorithms, and/or has population frequency not consistent with disease.

CSER _CC_NCGL, University of Washington
Classification: Uncertain significance for Colon cancer. Last evaluated: 2015-03-11. Review status: criteria provided, single submitter. Criteria: Amendola et al. (Genome Res. 2015). Collection method: research. Allele origin: germline. Inheritance: Autosomal dominant inheritance. Study: CSER - NEXT Medicine variant annotation.

Leiden Open Variation Database
Classification: Uncertain significance. Last evaluated: 2016-04-14. Review status: no assertion criteria provided. Collection method: curation. Allele origin: germline. Affected: yes. Not counted in ClinVar's aggregate classification.
Comment: Curator: Arleen D. Auerbach. Submitter to LOVD: Florentine Hilbers.

Literature cited by the submitters: PubMed 23054243 (cited by 3 submitters); PubMed 28767289 (cited by Labcorp Genetics (formerly Invitae), Labcorp and Ambry Genetics); PubMed 27233470 (cited by Labcorp Genetics (formerly Invitae), Labcorp and Ambry Genetics).

NM_005431.2(XRCC2):c.620A>G (p.Glu207Gly)

Gene: XRCC2 (X-ray repair cross complementing 2; minus strand). Cytogenetic location: 7q36.1.
Variant type: single nucleotide variant.
Coding change: c.620A>G on transcript NM_005431.2 (MANE Select); coding-DNA position 620, A replaced by G.
Protein change: p.Glu207Gly; replaces glutamic acid 207 with glycine.
Molecular consequence: missense variant.
Genome position (GRCh38, 1-based): chr7:152,648,865, T>C on the plus strand (A>G on the coding strand, the complement: XRCC2 is on the minus strand). VCF-style: chr7-152648865-T-C. GRCh37 (hg19) VCF-style: chr7-152345950-T-C.
Other names: p.E207G:GAA>GGA; short protein forms E207G.
Identifiers: ClinVar variation 127960 (VCV000127960.21), dbSNP rs61762969, ClinGen allele CA288141.